The following is an entry in ClinVar:

ClinVar aggregate classification (germline): Uncertain significance (1 of 4 stars; one submission).

gnomAD v4.1: 1 of 1,211,058 alleles (0.000083%); highest among the groups gnomAD compares: Non-Finnish European, 0.00011%; no homozygotes.

Submission:

GeneDx
Classification: Uncertain significance. Last evaluated: 2025-02-14. Review status: criteria provided, single submitter. Criteria: GeneDx Variant Classification Process June 2021. Collection method: clinical testing. Allele origin: germline. Affected: yes.
Comment: Not observed at significant frequency in large population cohorts (gnomAD); Missense variants in this gene are a common cause of disease and they are underrepresented in the general population; In silico analysis supports that this missense variant has a deleterious effect on protein structure/function; Has not been previously published as pathogenic or benign to our knowledge

NM_006306.4(SMC1A):c.1216C>T (p.Arg406Cys)

Gene: SMC1A (structural maintenance of chromosomes 1A; minus strand). Cytogenetic location: Xp11.22.
Variant type: single nucleotide variant.
Coding change: c.1216C>T on transcript NM_006306.4 (MANE Select); coding-DNA position 1216, C replaced by T.
Protein change: p.Arg406Cys; replaces arginine 406 with cysteine.
Molecular consequence: missense variant.
Genome position (GRCh38, 1-based): chrX:53,411,799, G>A on the plus strand (C>T on the coding strand, the complement: SMC1A is on the minus strand). VCF-style: chrX-53411799-G-A. GRCh37 (hg19) VCF-style: chrX-53438749-G-A.
Other names: c.1150C>T, p.Arg384Cys (NM_001281463.1); short protein forms R384C, R406C.
Identifiers: ClinVar variation 4075572 (VCV004075572.1).